The following is an entry in ClinVar:

ClinVar aggregate classification (germline): Uncertain significance (1 of 4 stars; one submission).

Conditions:
Developmental and epileptic encephalopathy, 42 (DEE42A). Also called: DEVELOPMENTAL AND EPILEPTIC ENCEPHALOPATHY 42A; EPILEPTIC ENCEPHALOPATHY, EARLY INFANTILE, 42A; Epileptic encephalopathy, early infantile, 42. Identifiers: MedGen C4310716, MONDO:0014917, OMIM 617106.

Submission:

Baylor Genetics
Classification: Uncertain significance for Developmental and epileptic encephalopathy, 42. Last evaluated: 2020-07-09. Review status: criteria provided, single submitter. Criteria: ACMG Guidelines, 2015. Collection method: clinical testing. Allele origin: unknown. Affected: yes.
Comment: This variant was determined to be of uncertain significance according to ACMG Guidelines, 2015 [PMID:25741868].

NM_001127222.2(CACNA1A):c.7136C>T (p.Ser2379Phe)

Gene: CACNA1A (calcium voltage-gated channel subunit alpha1 A; minus strand). Cytogenetic location: 19p13.13.
Variant type: single nucleotide variant.
Coding change: c.7136C>T on transcript NM_001127222.2 (MANE Select); coding-DNA position 7136, C replaced by T.
Protein change: p.Ser2379Phe; replaces serine 2379 with phenylalanine.
Molecular consequence: missense variant. On other transcripts: 3 prime UTR variant (3).
Genome position (GRCh38, 1-based): chr19:13,207,698, G>A on the plus strand (C>T on the coding strand, the complement: CACNA1A is on the minus strand). VCF-style: chr19-13207698-G-A. GRCh37 (hg19) VCF-style: chr19-13318512-G-A.
Other names: c.*348C>T (NM_000068.4, NM_001127221.2, NM_001174080.2); c.7154C>T, p.Ser2385Phe (NM_023035.3); short protein forms S2379F, S2385F.
Identifiers: ClinVar variation 1027688 (VCV001027688.1), dbSNP rs2054617641, ClinGen allele CA404328079.